The following is an entry in ClinVar:

ClinVar aggregate classification (germline): Pathogenic (1 of 4 stars; one submission).

Conditions:
Hereditary cancer-predisposing syndrome. Also called: Hereditary Cancer Syndrome; Hereditary neoplastic syndrome; Tumor predisposition; Neoplastic Syndromes, Hereditary. Identifiers: Orphanet 140162, MedGen C0027672, MeSH D009386, MONDO:0015356.

Submission:

Labcorp Genetics (formerly Invitae), Labcorp
Classification: Pathogenic for Hereditary cancer-predisposing syndrome. Last evaluated: 2021-09-29. Review status: criteria provided, single submitter. Criteria: Invitae Variant Classification Sherloc (09022015). Collection method: clinical testing. Allele origin: germline.
Comment: This variant is not present in population databases (ExAC no frequency). This sequence change creates a premature translational stop signal (p.Glu18*) in the RAD50 gene. It is expected to result in an absent or disrupted protein product. Loss-of-function variants in RAD50 are known to be pathogenic (PMID: 19409520). This variant has not been reported in the literature in individuals affected with RAD50-related conditions. For these reasons, this variant has been classified as Pathogenic. ClinVar contains an entry for this variant (Variation ID: 842928).

Literature cited by the submitters: PubMed 19409520.

NM_005732.4(RAD50):c.52G>T (p.Glu18Ter)

Gene: RAD50 (RAD50 double strand break repair protein; plus strand). Cytogenetic location: 5q31.1.
Variant type: single nucleotide variant.
Coding change: c.52G>T on transcript NM_005732.4 (MANE Select); coding-DNA position 52, G replaced by T.
Protein change: p.Glu18Ter; replaces glutamic acid 18 with a stop codon.
Molecular consequence: nonsense.
Genome position (GRCh38, 1-based): chr5:132,557,376, G>T. VCF-style: chr5-132557376-G-T. GRCh37 (hg19) VCF-style: chr5-131893068-G-T.
Other names: short protein forms E18*.
Identifiers: ClinVar variation 842928 (VCV000842928.8), dbSNP rs1449159448, ClinGen allele CA360951083.